The following is an entry in ClinVar:

ClinVar aggregate classification (germline): Uncertain significance (1 of 4 stars; one submission).

Conditions:
Hereditary spastic paraplegia 3A (SPG3A). Also called: SPASTIC PARAPLEGIA 3, AUTOSOMAL DOMINANT; FAMILIAL SPASTIC PARAPLEGIA, AUTOSOMAL DOMINANT, 1; SPG3; STRUMPELL DISEASE; Spastic Paraplegia 3A; Spastic paraplegia 3A, autosomal dominant. Identifiers: Orphanet 100984, MedGen C2931355, MONDO:0008437, OMIM 182600.

Submission:

Labcorp Genetics (formerly Invitae), Labcorp
Classification: Uncertain significance for Hereditary spastic paraplegia 3A. Last evaluated: 2017-06-28. Review status: criteria provided, single submitter. Criteria: Invitae Variant Classification Sherloc (09022015). Collection method: clinical testing. Allele origin: germline.
Comment: In summary, the available evidence is currently insufficient to determine the role of this variant in disease. Therefore, it has been classified as a Variant of Uncertain Significance. Algorithms developed to predict the effect of missense changes on protein structure and function do not agree on the potential impact of this missense change (SIFT: "Deleterious"; PolyPhen-2: "Benign"; Align-GVGD: "Class C15"). This variant has not been reported in the literature in individuals with ATL1-related disease. This variant is not present in population databases (ExAC no frequency). This sequence change replaces glutamic acid with lysine at codon 292 of the ATL1 protein (p.Glu292Lys). The glutamic acid residue is highly conserved and there is a small physicochemical difference between glutamic acid and lysine.

NM_015915.5(ATL1):c.874G>A (p.Glu292Lys)

Gene: ATL1 (atlastin GTPase 1; plus strand). Cytogenetic location: 14q22.1.
Variant type: single nucleotide variant.
Coding change: c.874G>A on transcript NM_015915.5 (MANE Select); coding-DNA position 874, G replaced by A.
Protein change: p.Glu292Lys; replaces glutamic acid 292 with lysine.
Molecular consequence: missense variant.
Genome position (GRCh38, 1-based): chr14:50,620,610, G>A. VCF-style: chr14-50620610-G-A. GRCh37 (hg19) VCF-style: chr14-51087328-G-A.
Other names: c.874G>A, p.Glu292Lys (NM_001127713.1, NM_181598.4); short protein forms E292K.
Identifiers: ClinVar variation 471252 (VCV000471252.8), dbSNP rs1360619786, ClinGen allele CA389673092.
Genomic context (GRCh38, chr14:50,620,610, plus strand): 5'-GGACTGGGAAGGATTCCAAAAATAATAATGGATTTGCTTTTACTTGTAGAAATAGATGAT[G>A]AATTCATCAAAAACTTGAAAATACTGATTCCTTGGCTACTTAGTCCCGAGAGCCTAGATA-3'
Protein context (NP_056999.2, residues 282-302): FDGKLKEIDD[Glu292Lys]FIKNLKILIP